The following is an entry in ClinVar:

NM_144997.7(FLCN):c.397-17C>T

Gene: FLCN (folliculin; minus strand). Cytogenetic location: 17p11.2.
Variant type: single nucleotide variant.
Coding change: c.397-17C>T on transcript NM_144997.7 (MANE Select); 17 bases into the intron before coding-DNA position 397, C replaced by T.
Molecular consequence: intron variant.
Genome position (GRCh38, 1-based): chr17:17,224,160, G>A on the plus strand (C>T on the coding strand, the complement: FLCN is on the minus strand). VCF-style: chr17-17224160-G-A. GRCh37 (hg19) VCF-style: chr17-17127474-G-A.
Other names: c.397-17C>T (NM_001353231.2, NM_001353230.2, NM_144606.7); c.451-17C>T (NM_001353229.2).
Identifiers: ClinVar variation 1589804 (VCV001589804.9), dbSNP rs1000136543, ClinGen allele CA288317265.

ClinVar aggregate classification (germline): Likely benign. Review status: criteria provided, multiple submitters, no conflicts (2 of 4 stars). 2 submissions from 2 submitters: Likely benign (2). Last evaluated 2025-12-15.

Conditions:
Birt-Hogg-Dube syndrome. Also called: Birt Hogg Dubé syndrome. Identifiers: Orphanet 122, MedGen C0346010, MONDO:0800444.
Birt-Hogg-Dube syndrome 1 (BHD1). Also called: FIBROFOLLICULOMAS WITH TRICHODISCOMAS AND ACROCHORDONS. Identifiers: Orphanet 122, MedGen CN375946, MONDO:0800445, OMIM 135150.

Allele frequency attached by ClinVar (database versions not stated): gnomAD 0.00001; TOPMed 0.00002.
gnomAD v4.1: 11 of 1,559,068 alleles (0.00071%); highest among the groups gnomAD compares: Admixed American, 0.0039%; no homozygotes.

Submissions (2):

Labcorp Genetics (formerly Invitae), Labcorp
Classification: Likely benign for Birt-Hogg-Dube syndrome. Last evaluated: 2025-12-15. Review status: criteria provided, single submitter. Criteria: Invitae Variant Classification Sherloc (09022015). Collection method: clinical testing. Allele origin: germline.

Myriad Genetics, Inc.
Classification: Likely benign for Birt-Hogg-Dube syndrome 1. Last evaluated: 2024-10-22. Review status: criteria provided, single submitter. Criteria: Myriad Autosomal Dominant, Autosomal Recessive and X-Linked Classification Criteria (2023). Collection method: clinical testing. Allele origin: unknown.
Comment: This variant is considered likely benign. This variant is intronic and is not expected to impact mRNA splicing.